The following is an entry in ClinVar:

ClinVar aggregate classification (germline): Uncertain significance. Review status: criteria provided, multiple submitters, no conflicts (2 of 4 stars). 3 submissions from 3 submitters: Uncertain significance (3). Last evaluated 2025-11-07.

Conditions:
PCARE-related disorder. Also called: PCARE-related condition.

Allele frequency attached by ClinVar (database versions not stated): TOPMed 0.00003.
gnomAD v4.1: 102 of 1,614,046 alleles (0.0063%); highest among the groups gnomAD compares: Middle Eastern, 0.15%; no homozygotes.

Submissions (3):

PreventionGenetics, part of Exact Sciences
Classification: Uncertain significance for PCARE-related condition. Last evaluated: 2025-11-07. Review status: criteria provided, single submitter. Criteria: ACMG Guidelines, 2015. Collection method: clinical testing. Allele origin: germline.
Comment: The PCARE c.3581C>T variant is predicted to result in the amino acid substitution p.Ala1194Val. This variant was reported in the heterozygous state in an individual with retinitis pigmentosa; however, this patient also carried potential causative variants in a different gene (Zobor et al. 2018. PubMed ID: 30025130). This variant is reported in 0.0080% of alleles in individuals of European (Non-Finnish) descent in gnomAD. At this time, the clinical significance of this variant is uncertain due to the absence of conclusive functional and genetic evidence.

Blueprint Genetics
Classification: Uncertain significance. Last evaluated: 2024-05-13. Review status: criteria provided, single submitter. Criteria: ACMG Guidelines, 2015. Collection method: clinical testing. Allele origin: germline.

Labcorp Genetics (formerly Invitae), Labcorp
Classification: Uncertain significance. Last evaluated: 2023-11-27. Review status: criteria provided, single submitter. Criteria: Invitae Variant Classification Sherloc (09022015). Collection method: clinical testing. Allele origin: germline.
Comment: This sequence change replaces alanine, which is neutral and non-polar, with valine, which is neutral and non-polar, at codon 1194 of the PCARE protein (p.Ala1194Val). This variant is present in population databases (rs372953965, gnomAD 0.007%). This variant has not been reported in the literature in individuals affected with PCARE-related conditions. ClinVar contains an entry for this variant (Variation ID: 841917). Algorithms developed to predict the effect of missense changes on protein structure and function output the following: SIFT: "Not Available"; PolyPhen-2: "Benign"; Align-GVGD: "Not Available". The valine amino acid residue is found in multiple mammalian species, which suggests that this missense change does not adversely affect protein function. In summary, the available evidence is currently insufficient to determine the role of this variant in disease. Therefore, it has been classified as a Variant of Uncertain Significance.

NM_001029883.3(PCARE):c.3581C>T (p.Ala1194Val)

Gene: PCARE (photoreceptor cilium actin regulator; minus strand). Cytogenetic location: 2p23.2.
Variant type: single nucleotide variant.
Coding change: c.3581C>T on transcript NM_001029883.3 (MANE Select); coding-DNA position 3581, C replaced by T.
Protein change: p.Ala1194Val; replaces alanine 1194 with valine.
Molecular consequence: missense variant.
Genome position (GRCh38, 1-based): chr2:29,070,681, G>A on the plus strand (C>T on the coding strand, the complement: PCARE is on the minus strand). VCF-style: chr2-29070681-G-A. GRCh37 (hg19) VCF-style: chr2-29293547-G-A.
Other names: short protein forms A1194V.
Identifiers: ClinVar variation 841917 (VCV000841917.7), dbSNP rs372953965, ClinGen allele CA1591892.
Genomic context (GRCh38, chr2:29,070,681, plus strand): 5'-GAGGTGCTGGTGGGGTCCAAGGTGGGAGGCTGCGGTCGGCCACCTGGCTGGCGGTCAGAA[G>A]CTGTCCTCCTGAGGAAAGGCAGAGGGTTGAGGGCACACAGAGCTGCTCTCCGCTGCGAGT-3'
Protein context (NP_001025054.1, residues 1184-1204): LNPLPFLRRT[Ala1194Val]SDRQPGGRPQ